The following is an entry in ClinVar:

ClinVar aggregate classification (germline): Uncertain significance (1 of 4 stars; one submission).

Conditions:
Alstrom syndrome (ALMS). Identifiers: Orphanet 64, MedGen C0268425, MONDO:0008763, OMIM 203800.

Allele frequency attached by ClinVar (database versions not stated): ExAC 0.00002.
gnomAD v4.1: 4 of 1,614,154 alleles (0.00025%); highest among the groups gnomAD compares: Admixed American, 0.005%; no homozygotes.

Submission:

Labcorp Genetics (formerly Invitae), Labcorp
Classification: Uncertain significance for Alstrom syndrome. Last evaluated: 2022-04-14. Review status: criteria provided, single submitter. Criteria: Invitae Variant Classification Sherloc (09022015). Collection method: clinical testing. Allele origin: germline.
Comment: This sequence change replaces valine, which is neutral and non-polar, with methionine, which is neutral and non-polar, at codon 4157 of the ALMS1 protein (p.Val4157Met). This variant is present in population databases (rs779259646, gnomAD 0.009%). This variant has not been reported in the literature in individuals affected with ALMS1-related conditions. Experimental studies and prediction algorithms are not available or were not evaluated, and the functional significance of this variant is currently unknown. In summary, the available evidence is currently insufficient to determine the role of this variant in disease. Therefore, it has been classified as a Variant of Uncertain Significance.

NM_001378454.1(ALMS1):c.12466G>A (p.Val4156Met)

Gene: ALMS1 (ALMS1 centrosome and basal body associated protein; plus strand). Cytogenetic location: 2p13.1.
Variant type: single nucleotide variant.
Coding change: c.12466G>A on transcript NM_001378454.1 (MANE Select); coding-DNA position 12466, G replaced by A.
Protein change: p.Val4156Met; replaces valine 4156 with methionine.
Molecular consequence: missense variant.
Genome position (GRCh38, 1-based): chr2:73,609,571, G>A. VCF-style: chr2-73609571-G-A. GRCh37 (hg19) VCF-style: chr2-73836698-G-A.
Other names: c.12469G>A, p.Val4157Met (NM_015120.4); short protein forms V4157M, V4156M.
Identifiers: ClinVar variation 2058841 (VCV002058841.1), dbSNP rs779259646, ClinGen allele CA1715604.
Genomic context (GRCh38, chr2:73,609,571, plus strand): 5'-TCTGCCTCTGATGGCAGTAATATCTAACTTCTTTCCTGCCTTTCTTTTCTTCTACAGAGA[G>A]TGACCAATCAACTTCTGGGGAGAAAAGTTCCCTGGGACTGACACAAGTTTATTTTCCTCA-3'
Protein context (NP_001365383.1, residues 4146-4166): RLRAQLYKKR[Val4156Met]TNQLLGRKVP